The following is an entry in ClinVar:

ClinVar aggregate classification (germline): other (0 of 4 stars; one submission).

Conditions:
Familial colorectal cancer. Identifiers: MedGen CN280943, MONDO:0023113. Disease mechanism: loss of function.

Allele frequency attached by ClinVar (database versions not stated): TOPMed below 0.00001.

Submission:

Systems Biology Platform Zhejiang California International NanoSystems Institute
Classification: other for Familial colorectal cancer. Review status: no assertion criteria provided. Collection method: not provided. Allele origin: unknown.
ClinVar note: Converted during submission from cancer to other.

NM_000038.6(APC):c.1313-476T>G

Gene: APC (APC regulator of WNT signaling pathway; plus strand). Cytogenetic location: 5q22.2.
Variant type: single nucleotide variant.
Coding change: c.1313-476T>G on transcript NM_000038.6 (MANE Select); 476 bases into the intron before coding-DNA position 1313, T replaced by G.
Molecular consequence: intron variant.
Genome position (GRCh38, 1-based): chr5:112,821,420, T>G. VCF-style: chr5-112821420-T-G. GRCh37 (hg19) VCF-style: chr5-112157117-T-G.
Other names: c.1313-476T>G (NM_001354895.2, NM_001127510.3, NM_001354896.2); c.1343-476T>G (NM_001354897.2); c.1040-476T>G (NM_001354902.2); c.1259-476T>G (NM_001127511.3); c.1238-476T>G (NM_001354898.2); c.935-476T>G (NM_001354904.2); c.464-476T>G (NM_001354906.2); c.1010-476T>G (NM_001354903.2); and 3 more.
Identifiers: ClinVar variation 82572 (VCV000082572.2), dbSNP rs74842328, ClinGen allele CA004221.